The following is an entry in ClinVar:

ClinVar aggregate classification (germline): Uncertain significance. Review status: criteria provided, multiple submitters, no conflicts (2 of 4 stars). 2 submissions from 2 submitters: Uncertain significance (2). Last evaluated 2025-03-10.

Conditions:
Long QT syndrome (LQTS). Identifiers: MedGen C0023976, MeSH D008133, MONDO:0002442. Disease mechanism: loss of function. Inheritance: Various modes of inheritance.
Cardiovascular phenotype. Identifiers: MedGen CN230736.

Allele frequency attached by ClinVar (database versions not stated): gnomAD exomes below 0.00001; TOPMed below 0.00001; gnomAD 0.00001.
gnomAD v4.1: 2 of 1,613,512 alleles (0.00012%); highest among the groups gnomAD compares: Non-Finnish European, 0.00017%; no homozygotes.

Submissions (2):

Ambry Genetics
Classification: Uncertain significance for Cardiovascular phenotype. Last evaluated: 2025-03-10. Review status: criteria provided, single submitter. Criteria: Ambry Variant Classification Scheme 2023. Collection method: clinical testing. Allele origin: germline.

Labcorp Genetics (formerly Invitae), Labcorp
Classification: Uncertain significance for Long QT syndrome. Last evaluated: 2023-09-06. Review status: criteria provided, single submitter. Criteria: Invitae Variant Classification Sherloc (09022015). Collection method: clinical testing. Allele origin: germline.
Comment: In summary, the available evidence is currently insufficient to determine the role of this variant in disease. Therefore, it has been classified as a Variant of Uncertain Significance. An algorithm developed to predict the effect of missense changes on protein structure and function (PolyPhen-2) suggests that this variant is likely to be disruptive. This variant has not been reported in the literature in individuals affected with ANK2-related conditions. This variant is not present in population databases (gnomAD no frequency). This sequence change replaces glycine, which is neutral and non-polar, with cysteine, which is neutral and slightly polar, at codon 3238 of the ANK2 protein (p.Gly3238Cys).

NM_001148.6(ANK2):c.9712G>T (p.Gly3238Cys)

Gene: ANK2 (ankyrin 2; plus strand). Cytogenetic location: 4q26.
Variant type: single nucleotide variant.
Coding change: c.9712G>T on transcript NM_001148.6 (MANE Select); coding-DNA position 9712, G replaced by T.
Protein change: p.Gly3238Cys; replaces glycine 3238 with cysteine.
Molecular consequence: missense variant. On other transcripts: intron variant (68).
Genome position (GRCh38, 1-based): chr4:113,358,330, G>T. VCF-style: chr4-113358330-G-T. GRCh37 (hg19) VCF-style: chr4-114279486-G-T.
Other names: c.9478G>T, p.Gly3160Cys (NM_001386142.1); c.6112G>T, p.Gly2038Cys (NM_001386166.1); c.9853G>T, p.Gly3285Cys (NM_001386174.1); c.9829G>T, p.Gly3277Cys (NM_001386175.1); c.4412-2493G>T (NM_001386186.2, NM_001386148.2); c.4214-2493G>T (NM_001354269.3); c.4292-2493G>T (NM_001386187.2); c.4253-2493G>T (NM_001386147.1); and 35 more; short protein forms G3277C, G3160C, G3285C, G2038C, G3238C.
Identifiers: ClinVar variation 2729851 (VCV002729851.5), dbSNP rs2095945643, ClinGen allele CA357938679.